The following is an entry in ClinVar:

NM_001330700.2(TOP2B):c.3220C>T (p.Arg1074Cys)

Gene: TOP2B (DNA topoisomerase II beta; minus strand). Cytogenetic location: 3p24.2.
Variant type: single nucleotide variant.
Coding change: c.3220C>T on transcript NM_001330700.2 (MANE Select); coding-DNA position 3220, C replaced by T.
Protein change: p.Arg1074Cys; replaces arginine 1074 with cysteine.
Molecular consequence: missense variant.
Genome position (GRCh38, 1-based): chr3:25,618,693, G>A on the plus strand (C>T on the coding strand, the complement: TOP2B is on the minus strand). VCF-style: chr3-25618693-G-A. GRCh37 (hg19) VCF-style: chr3-25660184-G-A.
Other names: c.3205C>T, p.Arg1069Cys (NM_001068.3); c.3205C>T (NM_001068.2); short protein forms R1069C, R1074C.
Identifiers: ClinVar variation 3677649 (VCV003677649.3).

ClinVar aggregate classification (germline): Uncertain significance. Review status: criteria provided, multiple submitters, no conflicts (2 of 4 stars). 2 submissions from 2 submitters: Uncertain significance (2). Last evaluated 2026-04-28.

gnomAD v4.1: 18 of 1,612,488 alleles (0.0011%); highest among the groups gnomAD compares: South Asian, 0.011%; 1 homozygote.

Submissions (2):

Ambry Genetics
Classification: Uncertain significance. Last evaluated: 2026-04-28. Review status: criteria provided, single submitter. Criteria: Ambry Variant Classification Scheme 2023. Collection method: clinical testing. Allele origin: germline.
Comment: The c.3205C>T (p.R1069C) alteration is located in exon 24 (coding exon 24) of the TOP2B gene. This alteration results from a C to T substitution at nucleotide position 3205, causing the arginine (R) at amino acid position 1069 to be replaced by a cysteine (C). Based on data from gnomAD, the T allele has an overall frequency of 0.003% (7/279234) total alleles studied. The highest observed frequency was 0.016% (5/30450) of South Asian alleles. Based on insufficient or conflicting evidence, the clinical significance of this alteration remains unclear.

Labcorp Genetics (formerly Invitae), Labcorp
Classification: Uncertain significance. Last evaluated: 2024-06-25. Review status: criteria provided, single submitter. Criteria: Invitae Variant Classification Sherloc (09022015). Collection method: clinical testing. Allele origin: germline.
Comment: This sequence change replaces arginine, which is basic and polar, with cysteine, which is neutral and slightly polar, at codon 1069 of the TOP2B protein (p.Arg1069Cys). This variant is present in population databases (rs766255221, gnomAD 0.02%). This variant has not been reported in the literature in individuals affected with TOP2B-related conditions. An algorithm developed to predict the effect of missense changes on protein structure and function (PolyPhen-2) suggests that this variant is likely to be disruptive. In summary, the available evidence is currently insufficient to determine the role of this variant in disease. Therefore, it has been classified as a Variant of Uncertain Significance.